The following is an entry in ClinVar:

NM_001282225.2(ADA2):c.1082-4T>G

Gene: ADA2 (adenosine deaminase 2; minus strand). Cytogenetic location: 22q11.1.
Variant type: single nucleotide variant.
Coding change: c.1082-4T>G on transcript NM_001282225.2 (MANE Select); 4 bases into the intron before coding-DNA position 1082, T replaced by G.
Molecular consequence: intron variant.
Genome position (GRCh38, 1-based): chr22:17,182,765, A>C on the plus strand (T>G on the coding strand, the complement: ADA2 is on the minus strand). VCF-style: chr22-17182765-A-C. GRCh37 (hg19) VCF-style: chr22-17663655-A-C.
Other names: p.?; c.956-4T>G (NM_001282227.2, NM_001282228.2); c.722-4T>G (NM_001282229.2); c.1082-4T>G (NM_001282226.2); c.359-4T>G (NM_177405.3).
Identifiers: ClinVar variation 1117755 (VCV001117755.10), dbSNP rs748309664, ClinGen allele CA10087957.

ClinVar aggregate classification (germline): Likely benign. Review status: criteria provided, multiple submitters, no conflicts (2 of 4 stars). 2 submissions from 2 submitters: Likely benign (2). Last evaluated 2025-08-29.

Conditions:
Deficiency of adenosine deaminase 2. Also called: Polyarteritis nodosa, childhoood-onset; Adenosine Deaminase 2 Deficiency; VASCULITIS, AUTOINFLAMMATION, IMMUNODEFICIENCY, AND HEMATOLOGIC DEFECTS SYNDROME. Identifiers: Orphanet 404553, MedGen C3887654, MONDO:0014306, OMIM 615688, MONDO:0100317.

Allele frequency attached by ClinVar (database versions not stated): gnomAD 0.00001; gnomAD exomes 0.00001 and 0.00002; ExAC 0.00002; TOPMed 0.00002.
gnomAD v4.1: 24 of 1,612,564 alleles (0.0015%); highest among the groups gnomAD compares: Non-Finnish European, 0.002%; no homozygotes.

Submissions (2):

Mayo Clinic Laboratories, Mayo Clinic
Classification: Likely benign. Last evaluated: 2025-08-29. Review status: criteria provided, single submitter. Criteria: ACMG Guidelines, 2015. Collection method: clinical testing. Allele origin: germline. Observed: 1 variant allele.
Comment: BP4, BP7

Labcorp Genetics (formerly Invitae), Labcorp
Classification: Likely benign for Deficiency of adenosine deaminase 2. Last evaluated: 2025-06-09. Review status: criteria provided, single submitter. Criteria: Invitae Variant Classification Sherloc (09022015). Collection method: clinical testing. Allele origin: germline.